The following is an entry in ClinVar:

NM_020699.4(GATAD2B):c.721A>T (p.Thr241Ser)

Gene: GATAD2B (GATA zinc finger domain containing 2B; minus strand). Cytogenetic location: 1q21.3.
Variant type: single nucleotide variant.
Coding change: c.721A>T on transcript NM_020699.4 (MANE Select); coding-DNA position 721, A replaced by T.
Protein change: p.Thr241Ser; replaces threonine 241 with serine.
Molecular consequence: missense variant.
Genome position (GRCh38, 1-based): chr1:153,818,048, T>A on the plus strand (A>T on the coding strand, the complement: GATAD2B is on the minus strand). VCF-style: chr1-153818048-T-A. GRCh37 (hg19) VCF-style: chr1-153790524-T-A.
Other names: short protein forms T241S.
Identifiers: ClinVar variation 3280873 (VCV003280873.3).
Genomic context (GRCh38, chr1:153,818,048, plus strand): 5'-ACAGGATTAGACACGGCCCTCCAACACTAAGATCCCACTATGGGTCACATACCTGTAATG[T>A]TCTCAAATTTTGAGGTTCAACCCCTTGGGCCCCAGGCCGAGAGGGAAGCTTAGATAGGCC-3'
Protein context (NP_065750.1, residues 231-251): AQGVEPQNLR[Thr241Ser]LQGHSVIRSA

ClinVar aggregate classification (germline): Uncertain significance. Review status: criteria provided, multiple submitters, no conflicts (2 of 4 stars). 2 submissions from 2 submitters: Uncertain significance (2). Last evaluated 2024-06-11.

Conditions:
Inborn genetic diseases. Identifiers: MedGen C0950123, MeSH D030342.

gnomAD v4.1: 1 of 1,608,794 alleles (0.000062%); highest among the groups gnomAD compares: African/African-American, 0.0013%; no homozygotes.

Submissions (2):

Ambry Genetics
Classification: Uncertain significance for Inborn genetic diseases. Last evaluated: 2024-06-11. Review status: criteria provided, single submitter. Criteria: Ambry Variant Classification Scheme 2023. Collection method: clinical testing. Allele origin: germline.

Labcorp Genetics (formerly Invitae), Labcorp
Classification: Uncertain significance. Last evaluated: 2024-02-17. Review status: criteria provided, single submitter. Criteria: Invitae Variant Classification Sherloc (09022015). Collection method: clinical testing. Allele origin: germline.
Comment: This sequence change replaces threonine, which is neutral and polar, with serine, which is neutral and polar, at codon 241 of the GATAD2B protein (p.Thr241Ser). This variant is not present in population databases (gnomAD no frequency). This variant has not been reported in the literature in individuals affected with GATAD2B-related conditions. Advanced modeling of protein sequence and biophysical properties (such as structural, functional, and spatial information, amino acid conservation, physicochemical variation, residue mobility, and thermodynamic stability) performed at Invitae indicates that this missense variant is not expected to disrupt GATAD2B protein function with a negative predictive value of 80%. In summary, the available evidence is currently insufficient to determine the role of this variant in disease. Therefore, it has been classified as a Variant of Uncertain Significance.